The following is an entry in ClinVar:

ClinVar aggregate classification (germline): Uncertain significance (1 of 4 stars; one submission).

Conditions:
Developmental and epileptic encephalopathy, 3 (DEE3). Also called: Epileptic encephalopathy, early infantile, 3. Identifiers: MedGen C5574665, MONDO:0012245, OMIM 609304.

Submission:

Baylor Genetics
Classification: Uncertain significance for Developmental and epileptic encephalopathy, 3. Last evaluated: 2018-08-06. Review status: criteria provided, single submitter. Criteria: ACMG Guidelines, 2015. Collection method: clinical testing. Allele origin: paternal. Affected: yes.
Comment: This variant was determined to be of uncertain significance according to ACMG Guidelines, 2015 [PMID:25741868].

NM_001191061.2(SLC25A22):c.658GAG[1] (p.Glu221del)

Gene: SLC25A22 (solute carrier family 25 member 22; minus strand). Cytogenetic location: 11p15.5.
Variant type: Microsatellite.
Coding change: c.658GAG[1] on transcript NM_001191061.2 (MANE Select); one copy of the 3-base unit GAG starting at c.658; the reference has two copies in a row; one copy, 3 bases deleted.
Protein change: p.Glu221del; deletes glutamic acid 221.
Molecular consequence: inframe deletion.
Genome position (GRCh38, 1-based): chr11:792,383-792,385, CTC deleted on the plus strand (GAG on the coding strand, the reverse complement: SLC25A22 is on the minus strand); deleting any 3 consecutive bases within chr11:792,383-792,388 gives the same sequence; the position shown is the placement nearest the transcript's 3' end. VCF-style (leftmost placement, unchanged base first): chr11-792382-TCTC-T. GRCh37 (hg19) VCF-style: chr11-792382-TCTC-T.
Other names: c.658GAG[1], p.Glu221del (NM_001191060.2, NM_024698.6); short protein forms E221del.
Identifiers: ClinVar variation 1033642 (VCV001033642.1), dbSNP rs1307254132, ClinGen allele CA680559827.